The following is an entry in ClinVar:

NM_006623.4(PHGDH):c.171del (p.Lys58fs)

Gene: PHGDH (phosphoglycerate dehydrogenase; plus strand). Cytogenetic location: 1p12.
Variant type: Deletion.
Coding change: c.171del on transcript NM_006623.4 (MANE Select); coding-DNA position 171, one base deleted (C; older notation c.171delC).
Protein change: p.Lys58fs; shifts the reading frame from lysine 58.
Molecular consequence: frameshift variant.
Genome position (GRCh38, 1-based): chr1:119,721,202, C deleted; the last of 2 consecutive C bases (chr1:119,721,201-119,721,202); deleting either gives the same sequence. VCF-style (leftmost placement, unchanged base first): chr1-119721200-AC-A. GRCh37 (hg19) VCF-style: chr1-120263823-AC-A.
Other names: c.171delC (NM_006623.3); short protein forms K58fs.
Identifiers: ClinVar variation 1453925 (VCV001453925.7), dbSNP rs750368565, ClinGen allele CA1036962.

ClinVar aggregate classification (germline): Pathogenic/Likely pathogenic. Review status: criteria provided, multiple submitters, no conflicts (2 of 4 stars). 2 submissions from 2 submitters: Pathogenic (1); Likely pathogenic (1). Last evaluated 2026-01-26.

Conditions:
PHGDH deficiency. Identifiers: Orphanet 79351, MedGen C1866174, MONDO:0011152, OMIM 601815.

Submissions (2):

Labcorp Genetics (formerly Invitae), Labcorp
Classification: Pathogenic for PHGDH deficiency. Last evaluated: 2026-01-26. Review status: criteria provided, single submitter. Criteria: Invitae Variant Classification Sherloc (09022015). Collection method: clinical testing. Allele origin: germline.
Comment: This sequence change creates a premature translational stop signal (p.Lys58Argfs*2) in the PHGDH gene. It is expected to result in an absent or disrupted protein product. Loss-of-function variants in PHGDH are known to be pathogenic (PMID: 14645240, 24836451). This variant is not present in population databases (gnomAD no frequency). This variant has not been reported in the literature in individuals affected with PHGDH-related conditions. ClinVar contains an entry for this variant (Variation ID: 1453925). For these reasons, this variant has been classified as Pathogenic.

Natera, Inc.
Classification: Likely pathogenic for Phosphoglycerate dehydrogenase deficiency. Last evaluated: 2024-06-17. Review status: criteria provided, single submitter. Criteria: Natera Variant Classification Schema (03/2026). Collection method: clinical testing. Allele origin: germline.
Comment: The c.171delC variant in PHGDH is a frameshift variant predicted to shift the reading frame beginning at codon 58 and leads to a stop codon 2 codons downstream. This variant is expected to result in nonsense mediated decay, truncation, or a dysfunctional protein product. This variant is rare in the general population with a frequency below the threshold expected for the associated phenotype(s). Given the available evidence, this variant is classified as Likely Pathogenic.

Literature cited by the submitters: PubMed 14645240 (cited by Labcorp Genetics (formerly Invitae), Labcorp); PubMed 24836451 (cited by Labcorp Genetics (formerly Invitae), Labcorp).